The following is an entry in ClinVar:

ClinVar aggregate classification (germline): Uncertain significance (1 of 4 stars; one submission).

Conditions:
Hereditary spastic paraplegia 11. Also called: SPASTIC PARAPLEGIA, AUTOSOMAL RECESSIVE, COMPLICATED, WITH THIN CORPUS CALLOSUM; SPASTIC PARAPLEGIA, AUTOSOMAL RECESSIVE, WITH MENTAL IMPAIRMENT AND THIN CORPUS CALLOSUM; Spastic paraplegia, mental retardation and thin corpus callosum; Nakamura Osame syndrome; Autosomal recessive hereditary spastic paraplegia, mental impairment, and thin corpus callosum; Spastic Paraplegia 11. Identifiers: Orphanet 2822, MedGen C1858479, MONDO:0011445, OMIM 604360.

Allele frequency attached by ClinVar (database versions not stated): gnomAD exomes 0.00001; TOPMed below 0.00001; ExAC 0.00001.
gnomAD v4.1: 13 of 1,614,066 alleles (0.00081%); highest among the groups gnomAD compares: African/African-American, 0.0013%; no homozygotes.

Submission:

Labcorp Genetics (formerly Invitae), Labcorp
Classification: Uncertain significance for Hereditary spastic paraplegia 11. Last evaluated: 2022-07-05. Review status: criteria provided, single submitter. Criteria: Invitae Variant Classification Sherloc (09022015). Collection method: clinical testing. Allele origin: germline.
Comment: This sequence change replaces tyrosine, which is neutral and polar, with cysteine, which is neutral and slightly polar, at codon 934 of the SPG11 protein (p.Tyr934Cys). This variant is present in population databases (rs777473151, gnomAD 0.007%). This variant has not been reported in the literature in individuals affected with SPG11-related conditions. ClinVar contains an entry for this variant (Variation ID: 655444). Algorithms developed to predict the effect of missense changes on protein structure and function (SIFT, PolyPhen-2, Align-GVGD) all suggest that this variant is likely to be disruptive. In summary, the available evidence is currently insufficient to determine the role of this variant in disease. Therefore, it has been classified as a Variant of Uncertain Significance.

NM_025137.4(SPG11):c.2801A>G (p.Tyr934Cys)

Gene: SPG11 (SPG11 vesicle trafficking associated, spatacsin; minus strand). Cytogenetic location: 15q21.1.
Variant type: single nucleotide variant.
Coding change: c.2801A>G on transcript NM_025137.4 (MANE Select); coding-DNA position 2801, A replaced by G.
Protein change: p.Tyr934Cys; replaces tyrosine 934 with cysteine.
Molecular consequence: missense variant.
Genome position (GRCh38, 1-based): chr15:44,620,223, T>C on the plus strand (A>G on the coding strand, the complement: SPG11 is on the minus strand). VCF-style: chr15-44620223-T-C. GRCh37 (hg19) VCF-style: chr15-44912421-T-C.
Other names: c.2801A>G, p.Tyr934Cys (NM_001160227.2); short protein forms Y934C.
Identifiers: ClinVar variation 655444 (VCV000655444.8), dbSNP rs777473151, ClinGen allele CA7535142.